The following is an entry in ClinVar:

ClinVar aggregate classification (germline): Conflicting classifications of pathogenicity. Review status: criteria provided, conflicting classifications (1 of 4 stars). 2 submissions from 2 submitters: Uncertain significance (1); Likely benign (1). Last evaluated 2024-02-26.

Conditions:
Hereditary cancer-predisposing syndrome. Also called: Neoplastic Syndromes, Hereditary; Tumor predisposition; Hereditary neoplastic syndrome; Hereditary Cancer Syndrome. Identifiers: Orphanet 140162, MedGen C0027672, MeSH D009386, MONDO:0015356.
Familial cancer of breast. Also called: BREAST CANCER, FAMILIAL; Hereditary breast cancer; hereditary breast carcinoma. Identifiers: Orphanet 227535, MedGen C0346153, MONDO:0016419, OMIM 114480. Disease mechanism: loss of function.

Allele frequency attached by ClinVar (database versions not stated): gnomAD 0.00001.
gnomAD v4.1: 1 of 1,594,816 alleles (0.000063%); highest among the groups gnomAD compares: African/African-American, 0.0014%; no homozygotes.

Submissions (2):

Ambry Genetics
Classification: Likely benign for Hereditary cancer-predisposing syndrome. Last evaluated: 2024-02-26. Review status: criteria provided, single submitter. Criteria: Ambry Variant Classification Scheme 2023. Collection method: clinical testing. Allele origin: germline.

Labcorp Genetics (formerly Invitae), Labcorp
Classification: Uncertain significance for Familial cancer of breast. Last evaluated: 2023-03-17. Review status: criteria provided, single submitter. Criteria: Invitae Variant Classification Sherloc (09022015). Collection method: clinical testing. Allele origin: germline.
Comment: In summary, the available evidence is currently insufficient to determine the role of this variant in disease. Therefore, it has been classified as a Variant of Uncertain Significance. Algorithms developed to predict the effect of missense changes on protein structure and function output the following: SIFT: "Not Available"; PolyPhen-2: "Benign"; Align-GVGD: "Not Available". The arginine amino acid residue is found in multiple mammalian species, which suggests that this missense change does not adversely affect protein function. ClinVar contains an entry for this variant (Variation ID: 826430). This variant has not been reported in the literature in individuals affected with BARD1-related conditions. This variant is present in population databases (no rsID available, gnomAD 0.01%). This sequence change replaces glutamine, which is neutral and polar, with arginine, which is basic and polar, at codon 216 of the BARD1 protein (p.Gln216Arg).

NM_000465.4(BARD1):c.647A>G (p.Gln216Arg)

Gene: BARD1 (BRCA1 associated RING domain 1; minus strand). Cytogenetic location: 2q35.
Variant type: single nucleotide variant.
Coding change: c.647A>G on transcript NM_000465.4 (MANE Select); coding-DNA position 647, A replaced by G.
Protein change: p.Gln216Arg; replaces glutamine 216 with arginine.
Molecular consequence: missense variant. On other transcripts: non-coding transcript variant (2), intron variant (3).
Genome position (GRCh38, 1-based): chr2:214,781,227, T>C on the plus strand (A>G on the coding strand, the complement: BARD1 is on the minus strand). VCF-style: chr2-214781227-T-C. GRCh37 (hg19) VCF-style: chr2-215645951-T-C.
Other names: c.590A>G, p.Gln197Arg (NM_001282543.2); c.158+28185A>G (NM_001282548.2); c.215+15834A>G (NM_001282545.2); c.364+11070A>G (NM_001282549.2); short protein forms Q197R, Q216R.
Identifiers: ClinVar variation 826430 (VCV000826430.10), dbSNP rs1178751431, ClinGen allele CA350456605.